The following is an entry in ClinVar:

ClinVar aggregate classification (germline): Uncertain significance. Review status: criteria provided, single submitter (1 of 4 stars). 2 submissions from 2 submitters: Uncertain significance (1). 1 of the submissions does not count toward it. Last evaluated 2021-09-01.

Conditions:
Alport syndrome. Also called: Hemorrhagic familial nephritis; Hemorrhagic hereditary nephritis; Congenital hereditary hematuria. Identifiers: Orphanet 63, MedGen C1567741, MONDO:0018965.

Allele frequency attached by ClinVar (database versions not stated): ExAC 0.00001; gnomAD exomes below 0.00001.
gnomAD v4.1: 2 of 1,614,168 alleles (0.00012%); highest among the groups gnomAD compares: African/African-American, 0.0027%; no homozygotes.

Submissions (2):

Labcorp Genetics (formerly Invitae), Labcorp
Classification: Uncertain significance. Last evaluated: 2021-09-01. Review status: criteria provided, single submitter. Criteria: Invitae Variant Classification Sherloc (09022015). Collection method: clinical testing. Allele origin: germline.
Comment: This sequence change replaces threonine with serine at codon 1594 of the COL4A3 protein (p.Thr1594Ser). The threonine residue is weakly conserved and there is a small physicochemical difference between threonine and serine. This variant is present in population databases (rs760284809, ExAC 0.01%). This variant has not been reported in the literature in individuals affected with COL4A3-related conditions. Algorithms developed to predict the effect of missense changes on protein structure and function output the following: SIFT: "Tolerated"; PolyPhen-2: "Not Available"; Align-GVGD: "Class C0". The serine amino acid residue is found in multiple mammalian species, which suggests that this missense change does not adversely affect protein function. In summary, the available evidence is currently insufficient to determine the role of this variant in disease. Therefore, it has been classified as a Variant of Uncertain Significance.

Natera, Inc.
Classification: Uncertain significance for Alport syndrome. Last evaluated: 2020-05-22. Review status: no assertion criteria provided. Collection method: clinical testing. Allele origin: germline. Not counted in ClinVar's aggregate classification.

NM_000091.5(COL4A3):c.4781C>G (p.Thr1594Ser)

Genes: COL4A3 (collagen type IV alpha 3 chain; plus strand), MFF-DT (MFF divergent transcript; minus strand). Cytogenetic location: 2q36.3.
Variant type: single nucleotide variant.
Coding change: c.4781C>G on transcript NM_000091.5 (MANE Select); coding-DNA position 4781, C replaced by G.
Protein change: p.Thr1594Ser; replaces threonine 1594 with serine.
Molecular consequence: missense variant.
Genome position (GRCh38, 1-based): chr2:227,310,801, C>G. VCF-style: chr2-227310801-C-G. GRCh37 (hg19) VCF-style: chr2-228175517-C-G.
Other names: short protein forms T1594S.
Identifiers: ClinVar variation 1055107 (VCV001055107.7), dbSNP rs760284809, ClinGen allele CA2147651.